The following is an entry in ClinVar:

NM_002528.7(NTHL1):c.887C>T (p.Ala296Val)

Gene: NTHL1 (nth like DNA glycosylase 1; minus strand). Cytogenetic location: 16p13.3.
Variant type: single nucleotide variant.
Coding change: c.887C>T on transcript NM_002528.7 (MANE Select); coding-DNA position 887, C replaced by T.
Protein change: p.Ala296Val; replaces alanine 296 with valine.
Molecular consequence: missense variant.
Genome position (GRCh38, 1-based): chr16:2,039,952, G>A on the plus strand (C>T on the coding strand, the complement: NTHL1 is on the minus strand). VCF-style: chr16-2039952-G-A. GRCh37 (hg19) VCF-style: chr16-2089953-G-A.
Other names: c.716C>T, p.Ala239Val (NM_001318193.2); c.557C>T, p.Ala186Val (NM_001318194.2); short protein forms A239V, A186V, A296V.
Identifiers: ClinVar variation 968751 (VCV000968751.12), dbSNP rs2084236411, ClinGen allele CA394287048.

ClinVar aggregate classification (germline): Uncertain significance. Review status: criteria provided, multiple submitters, no conflicts (2 of 4 stars). 3 submissions from 3 submitters: Uncertain significance (3). Last evaluated 2025-07-17.

Conditions:
Familial adenomatous polyposis 3. Also called: NTHL1-Related Adenomatous Polyposis and Colorectal Cancer; NTHL1 Tumor Syndrome; NTHL1-associated polyposis; NTHL1-related attenuated familial adenomatous polyposis. Identifiers: Orphanet 220460, Orphanet 454840, MedGen C4225157, MONDO:0014630, OMIM 616415.
Hereditary cancer-predisposing syndrome. Also called: Tumor predisposition; Hereditary Cancer Syndrome; Neoplastic Syndromes, Hereditary; Hereditary neoplastic syndrome. Identifiers: Orphanet 140162, MedGen C0027672, MeSH D009386, MONDO:0015356.

Allele frequency attached by ClinVar (database versions not stated): gnomAD exomes below 0.00001.
gnomAD v4.1: 2 of 1,606,190 alleles (0.00012%); highest among the groups gnomAD compares: Non-Finnish European, 0.00017%; no homozygotes.

Submissions (3):

Labcorp Genetics (formerly Invitae), Labcorp
Classification: Uncertain significance. Last evaluated: 2025-07-17. Review status: criteria provided, single submitter. Criteria: Invitae Variant Classification Sherloc (09022015). Collection method: clinical testing. Allele origin: germline.
Comment: This sequence change replaces alanine, which is neutral and non-polar, with valine, which is neutral and non-polar, at codon 304 of the NTHL1 protein (p.Ala304Val). This variant is not present in population databases (gnomAD no frequency). This variant has not been reported in the literature in individuals affected with NTHL1-related conditions. ClinVar contains an entry for this variant (Variation ID: 968751). An algorithm developed to predict the effect of missense changes on protein structure and function (PolyPhen-2) suggests that this variant is likely to be tolerated. In summary, the available evidence is currently insufficient to determine the role of this variant in disease. Therefore, it has been classified as a Variant of Uncertain Significance.

Baylor Genetics
Classification: Uncertain significance for Familial adenomatous polyposis 3. Last evaluated: 2023-10-20. Review status: criteria provided, single submitter. Criteria: ACMG Guidelines, 2015. Collection method: clinical testing. Allele origin: unknown.

Ambry Genetics
Classification: Uncertain significance for Hereditary cancer-predisposing syndrome. Last evaluated: 2023-05-08. Review status: criteria provided, single submitter. Criteria: Ambry Variant Classification Scheme 2023. Collection method: clinical testing. Allele origin: germline.
Comment: The p.A304V variant (also known as c.911C>T), located in coding exon 6 of the NTHL1 gene, results from a C to T substitution at nucleotide position 911. The alanine at codon 304 is replaced by valine, an amino acid with similar properties. This amino acid position is not well conserved in available vertebrate species. In addition, this alteration is predicted to be tolerated by in silico analysis. Since supporting evidence is limited at this time, the clinical significance of this alteration remains unclear.